The following is an entry in ClinVar:

ClinVar aggregate classification (germline): Uncertain significance (1 of 4 stars; one submission).

Allele frequency attached by ClinVar (database versions not stated): gnomAD exomes 0.00001; ExAC 0.00002.
gnomAD v4.1: 15 of 1,613,382 alleles (0.00093%); highest among the groups gnomAD compares: Non-Finnish European, 0.001%; no homozygotes.

Submission:

Labcorp Genetics (formerly Invitae), Labcorp
Classification: Uncertain significance. Last evaluated: 2025-10-14. Review status: criteria provided, single submitter. Criteria: Invitae Variant Classification Sherloc (09022015). Collection method: clinical testing. Allele origin: germline.
Comment: This sequence change replaces threonine, which is neutral and polar, with alanine, which is neutral and non-polar, at codon 344 of the C9 protein (p.Thr344Ala). The frequency data for this variant in the population databases is considered unreliable, as metrics indicate poor data quality at this position in the gnomAD database. This variant has not been reported in the literature in individuals affected with C9-related conditions. ClinVar contains an entry for this variant (Variation ID: 1912670). Invitae Evidence Modeling of protein sequence and biophysical properties (such as structural, functional, and spatial information, amino acid conservation, physicochemical variation, residue mobility, and thermodynamic stability) indicates that this missense variant is expected to disrupt C9 protein function with a positive predictive value of 80%. In summary, the available evidence is currently insufficient to determine the role of this variant in disease. Therefore, it has been classified as a Variant of Uncertain Significance.

NM_001737.5(C9):c.1030A>G (p.Thr344Ala)

Gene: C9 (complement C9; minus strand). Cytogenetic location: 5p13.1.
Variant type: single nucleotide variant.
Coding change: c.1030A>G on transcript NM_001737.5 (MANE Select); coding-DNA position 1030, A replaced by G.
Protein change: p.Thr344Ala; replaces threonine 344 with alanine.
Molecular consequence: missense variant.
Genome position (GRCh38, 1-based): chr5:39,311,218, T>C on the plus strand (A>G on the coding strand, the complement: C9 is on the minus strand). VCF-style: chr5-39311218-T-C. GRCh37 (hg19) VCF-style: chr5-39311320-T-C.
Other names: short protein forms T344A.
Identifiers: ClinVar variation 1912670 (VCV001912670.5), dbSNP rs773133139, ClinGen allele CA3246822.